The following is an entry in ClinVar:

ClinVar aggregate classification (germline): Uncertain significance (1 of 4 stars; one submission).

gnomAD v4.1: 3 of 1,612,766 alleles (0.00019%); highest among the groups gnomAD compares: African/African-American, 0.0027%; no homozygotes.

Submission:

Labcorp Genetics (formerly Invitae), Labcorp
Classification: Uncertain significance. Last evaluated: 2021-10-27. Review status: criteria provided, single submitter. Criteria: Invitae Variant Classification Sherloc (09022015). Collection method: clinical testing. Allele origin: germline.
Comment: In summary, the available evidence is currently insufficient to determine the role of this variant in disease. Therefore, it has been classified as a Variant of Uncertain Significance. Algorithms developed to predict the effect of missense changes on protein structure and function are either unavailable or do not agree on the potential impact of this missense change (SIFT: "Deleterious"; PolyPhen-2: "Probably Damaging"; Align-GVGD: "Class C0"). This variant has not been reported in the literature in individuals affected with SAMD11-related conditions. This variant is not present in population databases (gnomAD no frequency). This sequence change replaces alanine, a(n) neutral and non-polar amino acid, with valine, a(n) neutral and non-polar amino acid, at codon 617 of the SAMD11 protein (p.Ala617Val).

NM_001385641.1(SAMD11):c.2339C>T (p.Ala780Val)

Gene: SAMD11 (sterile alpha motif domain containing 11; plus strand). Cytogenetic location: 1p36.33.
Variant type: single nucleotide variant.
Coding change: c.2339C>T on transcript NM_001385641.1 (MANE Select); coding-DNA position 2339, C replaced by T.
Protein change: p.Ala780Val; replaces alanine 780 with valine.
Molecular consequence: missense variant.
Genome position (GRCh38, 1-based): chr1:943,957, C>T. VCF-style: chr1-943957-C-T. GRCh37 (hg19) VCF-style: chr1-879337-C-T.
Other names: c.2342C>T, p.Ala781Val (NM_001385640.1); c.1850C>T, p.Ala617Val (NM_152486.4); short protein forms A780V, A617V, A781V.
Identifiers: ClinVar variation 1469483 (VCV001469483.6), dbSNP rs561795769, ClinGen allele CA337817879.